The following is an entry in ClinVar:

ClinVar aggregate classification (germline): Benign/Likely benign. Review status: criteria provided, multiple submitters, no conflicts (2 of 4 stars). 4 submissions from 4 submitters: Benign (3); Likely benign (1). Last evaluated 2026-01-21.

Allele frequency attached by ClinVar (database versions not stated): 1000 Genomes Project 30x 0.13554; 1000 Genomes Project 0.13778; ExAC 0.14144; ESP Exome Variant Server 0.10111.
gnomAD v4.1: 200,979 of 1,609,662 alleles (12%); highest among the groups gnomAD compares: East Asian, 36%; 14,667 homozygotes.

Submissions (4):

Women's Health and Genetics/Laboratory Corporation of America, LabCorp
Classification: Likely benign. Last evaluated: 2026-01-21. Review status: criteria provided, single submitter. Criteria: LabCorp Variant Classification Summary - May 2015. Collection method: clinical testing. Allele origin: germline.

Unidad de Genómica Garrahan, Hospital de Pediatría Garrahan
Classification: Benign. Last evaluated: 2024-01-24. Review status: criteria provided, single submitter. Criteria: ACMG Guidelines, 2015. Collection method: clinical testing. Allele origin: germline. Affected: no. Observed: 27 variant alleles.
Comment: This variant is classified as Benign based on local population frequency. This variant was detected in 28% of patients studied by a panel of primary immunodeficiencies. Number of patients: 27. Only high quality variants are reported.

GeneDx
Classification: Benign. Last evaluated: 2021-06-09. Review status: criteria provided, single submitter. Criteria: GeneDx Variant Classification Process June 2021. Collection method: clinical testing. Allele origin: germline. Affected: yes.
Comment: This variant is associated with the following publications: (PMID: 23118916)

Breakthrough Genomics
Classification: Benign. Review status: criteria provided, single submitter. Criteria: ACMG Guidelines, 2015. Collection method: not provided. Allele origin: germline. Inheritance: Unknown mechanism. Affected: yes.

NM_003808.4(TNFSF13):c.199G>A (p.Gly67Arg)

Genes: TNFSF12-TNFSF13 (TNFSF12-TNFSF13 readthrough; plus strand), TNFSF13 (TNF superfamily member 13; plus strand). Cytogenetic location: 17p13.1.
Variant type: single nucleotide variant.
Coding change: c.199G>A on transcript NM_003808.4 (MANE Select); coding-DNA position 199, G replaced by A.
Protein change: p.Gly67Arg; replaces glycine 67 with arginine.
Molecular consequence: missense variant. On other transcripts: non-coding transcript variant (1), intron variant (1).
Genome position (GRCh38, 1-based): chr17:7,559,238, G>A. VCF-style: chr17-7559238-G-A. GRCh37 (hg19) VCF-style: chr17-7462555-G-A.
Other names: c.199G>A, p.Gly67Arg (NM_001198622.2, NM_001198623.2, NM_172087.3 and 1 more transcripts); c.148G>A, p.Gly50Arg (NM_001198624.2); c.499-386G>A (NM_172089.4); short protein forms G50R, G67R.
Identifiers: ClinVar variation 1181749 (VCV001181749.6), dbSNP rs11552708, ClinGen allele CA8350964.